The following is an entry in ClinVar:

ClinVar aggregate classification (germline): Uncertain significance (1 of 4 stars; one submission).

Conditions:
Hereditary cancer-predisposing syndrome. Also called: Tumor predisposition; Hereditary Cancer Syndrome; Hereditary neoplastic syndrome; Neoplastic Syndromes, Hereditary. Identifiers: Orphanet 140162, MedGen C0027672, MeSH D009386, MONDO:0015356.

Submission:

Ambry Genetics
Classification: Uncertain significance for Hereditary cancer-predisposing syndrome. Last evaluated: 2025-11-24. Review status: criteria provided, single submitter. Criteria: Ambry Variant Classification Scheme 2023. Collection method: clinical testing. Allele origin: germline.
Comment: The p.G248C variant (also known as c.742G>T), located in coding exon 8 of the RB1 gene, results from a G to T substitution at nucleotide position 742. The glycine at codon 248 is replaced by cysteine, an amino acid with highly dissimilar properties. This amino acid position is conserved. In addition, the in silico prediction for this alteration is inconclusive. Based on the available evidence, the clinical significance of this variant remains unclear.

NM_000321.3(RB1):c.742G>T (p.Gly248Cys)

Gene: RB1 (RB transcriptional corepressor 1; plus strand). Cytogenetic location: 13q14.2.
Variant type: single nucleotide variant.
Coding change: c.742G>T on transcript NM_000321.3 (MANE Select); coding-DNA position 742, G replaced by T.
Protein change: p.Gly248Cys; replaces glycine 248 with cysteine.
Molecular consequence: missense variant.
Genome position (GRCh38, 1-based): chr13:48,362,838, G>T. VCF-style: chr13-48362838-G-T. GRCh37 (hg19) VCF-style: chr13-48936974-G-T.
Other names: c.742G>T, p.Gly248Cys (NM_001407165.1, NM_001407166.1); short protein forms G248C.
Identifiers: ClinVar variation 4544317 (VCV004544317.1).